The following is an entry in ClinVar:

NM_000642.3(AGL):c.1159C>T (p.Arg387Ter)

Gene: AGL (amylo-alpha-1,6-glucosidase and 4-alpha-glucanotransferase; plus strand). Cytogenetic location: 1p21.2.
Variant type: single nucleotide variant.
Coding change: c.1159C>T on transcript NM_000642.3 (MANE Select); coding-DNA position 1159, C replaced by T.
Protein change: p.Arg387Ter; replaces arginine 387 with a stop codon.
Molecular consequence: nonsense.
Genome position (GRCh38, 1-based): chr1:99,875,230, C>T. VCF-style: chr1-99875230-C-T. GRCh37 (hg19) VCF-style: chr1-100340786-C-T.
Other names: c.1159C>T, p.Arg387Ter (NM_000028.3, NM_000643.3, NM_000644.3 and 2 more transcripts); c.1111C>T, p.Arg371Ter (NM_000646.3); c.955C>T, p.Arg319Ter (NM_001425328.1, NM_001425329.1); c.781C>T, p.Arg261Ter (NM_001425332.1); short protein forms R387*, R371*, R261*, R319*.
Identifiers: ClinVar variation 553738 (VCV000553738.7), dbSNP rs1553185418, ClinGen allele CA341344850.

ClinVar aggregate classification (germline): Pathogenic/Likely pathogenic. Review status: criteria provided, multiple submitters, no conflicts (2 of 4 stars). 4 submissions from 4 submitters: Pathogenic (1); Likely pathogenic (2). 1 of the submissions does not count toward it. Last evaluated 2025-08-28.

Conditions:
Glycogen storage disease type III (GSD3). Also called: FORBES DISEASE; Cori disease. Identifiers: Orphanet 366, MedGen C0017922, MONDO:0009291, OMIM 232400.

Allele frequency attached by ClinVar (database versions not stated): gnomAD below 0.00001 and 0.00001; TOPMed below 0.00001.
gnomAD v4.1: 5 of 1,613,872 alleles (0.00031%); highest among the groups gnomAD compares: East Asian, 0.0022%; no homozygotes.

Submissions (4):

Natera, Inc.
Classification: Likely pathogenic for Glycogen storage disease type III. Last evaluated: 2025-08-28. Review status: criteria provided, single submitter. Criteria: Natera Variant Classification Schema (03/2026). Collection method: clinical testing. Allele origin: germline.
Comment: The c.1159C>T variant in AGL is a nonsense variant predicted to introduce a stop codon at amino acid 387. This variant is expected to result in nonsense mediated decay, truncation, or a dysfunctional protein product. This variant is rare in the general population with a frequency below the threshold expected for the associated phenotype(s). Given the available evidence, this variant is classified as Likely Pathogenic.

Labcorp Genetics (formerly Invitae), Labcorp
Classification: Pathogenic for Glycogen storage disease type III. Last evaluated: 2025-06-02. Review status: criteria provided, single submitter. Criteria: Invitae Variant Classification Sherloc (09022015). Collection method: clinical testing. Allele origin: germline.
Comment: This sequence change creates a premature translational stop signal (p.Arg387*) in the AGL gene. It is expected to result in an absent or disrupted protein product. Loss-of-function variants in AGL are known to be pathogenic (PMID: 19299494). This variant is not present in population databases (gnomAD no frequency). This variant has not been reported in the literature in individuals affected with AGL-related conditions. ClinVar contains an entry for this variant (Variation ID: 553738). Algorithms developed to predict the effect of sequence changes on RNA splicing suggest that this variant may disrupt the consensus splice site. For these reasons, this variant has been classified as Pathogenic.

Baylor Genetics
Classification: Likely pathogenic for Glycogen storage disease type III. Last evaluated: 2023-11-14. Review status: criteria provided, single submitter. Criteria: ACMG Guidelines, 2015. Collection method: clinical testing. Allele origin: unknown.

Counsyl
Classification: Likely pathogenic for Glycogen storage disease type III. Last evaluated: 2017-09-06. Review status: no assertion criteria provided. Collection method: clinical testing. Allele origin: unknown. Not counted in ClinVar's aggregate classification.

Literature cited by the submitters: PubMed 19299494 (cited by Labcorp Genetics (formerly Invitae), Labcorp).